The following is an entry in ClinVar:

NM_015354.3(NUP188):c.880C>T (p.His294Tyr)

Gene: NUP188 (nucleoporin 188; plus strand). Cytogenetic location: 9q34.11.
Variant type: single nucleotide variant.
Coding change: c.880C>T on transcript NM_015354.3 (MANE Select); coding-DNA position 880, C replaced by T.
Protein change: p.His294Tyr; replaces histidine 294 with tyrosine.
Molecular consequence: missense variant.
Genome position (GRCh38, 1-based): chr9:128,969,482, C>T. VCF-style: chr9-128969482-C-T. GRCh37 (hg19) VCF-style: chr9-131731761-C-T.
Other names: short protein forms H294Y.
Identifiers: ClinVar variation 1806590 (VCV001806590.1), dbSNP rs1434031976, ClinGen allele CA375079831.

ClinVar aggregate classification (germline): Uncertain significance (1 of 4 stars; one submission).

Allele frequency attached by ClinVar (database versions not stated): gnomAD 0.00001; gnomAD exomes 0.00001; TOPMed 0.00001.
gnomAD v4.1: 18 of 1,590,582 alleles (0.0011%); highest among the groups gnomAD compares: Non-Finnish European, 0.0015%; no homozygotes.

Submission:

GeneDx
Classification: Uncertain significance. Last evaluated: 2022-06-20. Review status: criteria provided, single submitter. Criteria: GeneDx Variant Classification Process June 2021. Collection method: clinical testing. Allele origin: germline. Affected: yes.
Comment: Not observed at significant frequency in large population cohorts (gnomAD); In silico analysis supports that this missense variant does not alter protein structure/function; Has not been previously published as pathogenic or benign to our knowledge